The following is an entry in ClinVar:

ClinVar aggregate classification (germline): Uncertain significance (1 of 4 stars; one submission).

Conditions:
EGFR-related lung cancer (EGFR). Identifiers: MedGen CN130014.

Submission:

Labcorp Genetics (formerly Invitae), Labcorp
Classification: Uncertain significance for EGFR-related lung cancer. Last evaluated: 2020-02-29. Review status: criteria provided, single submitter. Criteria: Invitae Variant Classification Sherloc (09022015). Collection method: clinical testing. Allele origin: germline.
Comment: In summary, the available evidence is currently insufficient to determine the role of this variant in disease. Therefore, it has been classified as a Variant of Uncertain Significance. This sequence change replaces aspartic acid with glutamic acid at codon 956 of the EGFR protein (p.Asp956Glu). The aspartic acid residue is moderately conserved and there is a small physicochemical difference between aspartic acid and glutamic acid. This variant is not present in population databases (ExAC no frequency). This variant has not been reported in the literature in individuals with EGFR-related conditions. Algorithms developed to predict the effect of missense changes on protein structure and function output the following: SIFT: "Tolerated"; PolyPhen-2: "Benign"; Align-GVGD: "Class C0". The glutamic acid amino acid residue is found in multiple mammalian species, suggesting that this missense change does not adversely affect protein function. These predictions have not been confirmed by published functional studies and their clinical significance is uncertain.

NM_005228.5(EGFR):c.2868T>G (p.Asp956Glu)

Gene: EGFR (epidermal growth factor receptor; plus strand). Cytogenetic location: 7p11.2.
Variant type: single nucleotide variant.
Coding change: c.2868T>G on transcript NM_005228.5 (MANE Select); coding-DNA position 2868, T replaced by G.
Protein change: p.Asp956Glu; replaces aspartic acid 956 with glutamic acid.
Molecular consequence: missense variant.
Genome position (GRCh38, 1-based): chr7:55,200,335, T>G. VCF-style: chr7-55200335-T-G. GRCh37 (hg19) VCF-style: chr7-55268028-T-G.
Other names: c.2733T>G, p.Asp911Glu (NM_001346897.2, NM_001346899.2); c.2868T>G, p.Asp956Glu (NM_001346898.2); c.2709T>G, p.Asp903Glu (NM_001346900.2); c.2067T>G, p.Asp689Glu (NM_001346941.2); short protein forms D689E, D903E, D911E, D956E.
Identifiers: ClinVar variation 1059494 (VCV001059494.9), dbSNP rs2128969817, ClinGen allele CA367581748.